The following is an entry in ClinVar:

ClinVar aggregate classification (germline): Uncertain significance. Review status: criteria provided, multiple submitters, no conflicts (2 of 4 stars). 4 submissions from 4 submitters: Uncertain significance (4). Last evaluated 2025-08-14.

Conditions:
Hereditary cancer-predisposing syndrome. Also called: Tumor predisposition; Hereditary neoplastic syndrome; Neoplastic Syndromes, Hereditary; Hereditary Cancer Syndrome. Identifiers: Orphanet 140162, MedGen C0027672, MeSH D009386, MONDO:0015356.
Endometrial carcinoma. Also called: Endometrial carcinoma, somatic. Identifiers: MedGen C0476089, MONDO:0002447, OMIM 608089, HP:0012114.

Allele frequency attached by ClinVar (database versions not stated): TOPMed 0.00001.
gnomAD v4.1: 1 of 1,613,278 alleles (0.000062%); highest among the groups gnomAD compares: African/African-American, 0.0013%; no homozygotes.

Submissions (4):

Quest Diagnostics Nichols Institute San Juan Capistrano
Classification: Uncertain significance. Last evaluated: 2025-08-14. Review status: criteria provided, single submitter. Criteria: Quest Diagnostics criteria. Collection method: clinical testing. Allele origin: unknown.
Comment: The MSH3 c.2615G>C (p.Gly872Ala) variant has not been reported in individuals with MSH3-related conditions in the published literature. This variant has not been reported in large, multi-ethnic general populations (Genome Aggregation Database). Analysis of this variant using bioinformatics tools for the prediction of the effect of amino acid changes on protein structure and function yielded conflicting predictions that this variant is benign or damaging. Based on the available information, we are unable to determine the clinical significance of this variant.

Baylor Genetics
Classification: Uncertain significance for Endometrial carcinoma. Last evaluated: 2023-11-26. Review status: criteria provided, single submitter. Criteria: ACMG Guidelines, 2015. Collection method: clinical testing. Allele origin: unknown.

Ambry Genetics
Classification: Uncertain significance for Hereditary cancer-predisposing syndrome. Last evaluated: 2022-04-07. Review status: criteria provided, single submitter. Criteria: Ambry Variant Classification Scheme 2023. Collection method: clinical testing. Allele origin: germline.
Comment: The p.G872A variant (also known as c.2615G>C), located in coding exon 19 of the MSH3 gene, results from a G to C substitution at nucleotide position 2615. The glycine at codon 872 is replaced by alanine, an amino acid with similar properties. This amino acid position is conserved. In addition, the in silico prediction for this alteration is inconclusive. Since supporting evidence is limited at this time, the clinical significance of this alteration remains unclear.

Labcorp Genetics (formerly Invitae), Labcorp
Classification: Uncertain significance. Last evaluated: 2019-09-20. Review status: criteria provided, single submitter. Criteria: Invitae Variant Classification Sherloc (09022015). Collection method: clinical testing. Allele origin: germline.
Comment: In summary, the available evidence is currently insufficient to determine the role of this variant in disease. Therefore, it has been classified as a Variant of Uncertain Significance. Algorithms developed to predict the effect of missense changes on protein structure and function are either unavailable or do not agree on the potential impact of this missense change (SIFT: "Tolerated"; PolyPhen-2: "Possibly Damaging"; Align-GVGD: "Class C0"). This variant has not been reported in the literature in individuals with MSH3-related conditions. This variant is not present in population databases (ExAC no frequency). This sequence change replaces glycine with alanine at codon 872 of the MSH3 protein (p.Gly872Ala). The glycine residue is moderately conserved and there is a small physicochemical difference between glycine and alanine.

NM_002439.5(MSH3):c.2615G>C (p.Gly872Ala)

Gene: MSH3 (mutS homolog 3; plus strand). Cytogenetic location: 5q14.1.
Variant type: single nucleotide variant.
Coding change: c.2615G>C on transcript NM_002439.5 (MANE Select); coding-DNA position 2615, G replaced by C.
Protein change: p.Gly872Ala; replaces glycine 872 with alanine.
Molecular consequence: missense variant.
Genome position (GRCh38, 1-based): chr5:80,792,804, G>C. VCF-style: chr5-80792804-G-C. GRCh37 (hg19) VCF-style: chr5-80088623-G-C.
Other names: short protein forms G872A.
Identifiers: ClinVar variation 958364 (VCV000958364.14), dbSNP rs768150895, ClinGen allele CA360272978.
Genomic context (GRCh38, chr5:80,792,804, plus strand): 5'-AAGAAGAAAGAAAAATTGTAATAAAAAATGGAAGGCACCCTGTGATTGATGTGTTGCTGG[G>C]AGAACAGGATCAATATGTCCCAAATAATACAGATTTATCAGTAAGTACCTTATGCCAAAA-3'
Protein context (NP_002430.3, residues 862-882): GRHPVIDVLL[Gly872Ala]EQDQYVPNNT